The following is an entry in ClinVar:

NM_021930.6(RINT1):c.706T>G (p.Leu236Val)

Gene: RINT1 (RAD50 interactor 1; plus strand). Cytogenetic location: 7q22.3.
Variant type: single nucleotide variant.
Coding change: c.706T>G on transcript NM_021930.6 (MANE Select); coding-DNA position 706, T replaced by G.
Protein change: p.Leu236Val; replaces leucine 236 with valine.
Molecular consequence: missense variant. On other transcripts: 5 prime UTR variant (2), non-coding transcript variant (1), intron variant (1).
Genome position (GRCh38, 1-based): chr7:105,547,200, T>G. VCF-style: chr7-105547200-T-G. GRCh37 (hg19) VCF-style: chr7-105187647-T-G.
Other names: c.472T>G, p.Leu158Val (NM_001346599.2); c.-314T>G (NM_001346600.2); c.-217T>G (NM_001346601.2); c.-27-2855T>G (NM_001346603.2); short protein forms L236V, L158V.
Identifiers: ClinVar variation 934026 (VCV000934026.9), dbSNP rs1790704989, ClinGen allele CA368806210.
Genomic context (GRCh38, chr7:105,547,200, plus strand): 5'-ATTTGGTGATGTACTGAAATGTATGTGTTACTTTTCCATTGCAGTGATTTTGAGGAAATT[T>G]TAGCACAGCTTCATTGGCCATTCATCGCACCCCCTCAATCACAAACTGTTGGCTTAAGTC-3'
Protein context (NP_068749.3, residues 226-246): DKLTSDFEEI[Leu236Val]AQLHWPFIAP

ClinVar aggregate classification (germline): Uncertain significance (1 of 4 stars; one submission).

Allele frequency attached by ClinVar (database versions not stated): gnomAD exomes below 0.00001.
gnomAD v4.1: 2 of 1,614,204 alleles (0.00012%); highest among the groups gnomAD compares: Non-Finnish European, 0.00017%; no homozygotes.

Submission:

Labcorp Genetics (formerly Invitae), Labcorp
Classification: Uncertain significance. Last evaluated: 2019-08-10. Review status: criteria provided, single submitter. Criteria: Invitae Variant Classification Sherloc (09022015). Collection method: clinical testing. Allele origin: germline.
Comment: This sequence change replaces leucine with valine at codon 236 of the RINT1 protein (p.Leu236Val). The leucine residue is highly conserved and there is a small physicochemical difference between leucine and valine. This variant is not present in population databases (ExAC no frequency). This variant has not been reported in the literature in individuals with RINT1-related conditions. Algorithms developed to predict the effect of missense changes on protein structure and function are either unavailable or do not agree on the potential impact of this missense change (SIFT: "Deleterious"; PolyPhen-2: "Possibly Damaging"; Align-GVGD: "Class C0"). In summary, the available evidence is currently insufficient to determine the role of this variant in disease. Therefore, it has been classified as a Variant of Uncertain Significance.